The following is an entry in ClinVar:

ClinVar aggregate classification (germline): Uncertain significance. Review status: criteria provided, multiple submitters, no conflicts (2 of 4 stars). 3 submissions from 3 submitters: Uncertain significance (3). Last evaluated 2024-10-11.

Conditions:
Idiopathic Pulmonary Fibrosis. Also called: Idiopathic fibrosing alveolitis, chronic form; idiopathic fibrosing alveolitis. Identifiers: Orphanet 2032, MedGen C1800706, MeSH D054990, MONDO:0800504.
Dyskeratosis congenita, autosomal dominant 2. Identifiers: MedGen C3151443, MONDO:0013521, OMIM 613989.
Dyskeratosis congenita. Identifiers: Orphanet 1775, MedGen C0265965, MONDO:0015780.

gnomAD v4.1: 3 of 1,612,678 alleles (0.00019%); highest among the groups gnomAD compares: East Asian, 0.0022%; no homozygotes.

Submissions (3):

Ambry Genetics
Classification: Uncertain significance for Dyskeratosis congenita. Last evaluated: 2024-10-11. Review status: criteria provided, single submitter. Criteria: Ambry Variant Classification Scheme 2023. Collection method: clinical testing. Allele origin: germline.
Comment: The p.D945N variant (also known as c.2833G>A), located in coding exon 11 of the TERT gene, results from a G to A substitution at nucleotide position 2833. The aspartic acid at codon 945 is replaced by asparagine, an amino acid with highly similar properties. This amino acid position is conserved. In addition, the in silico prediction for this alteration is inconclusive. Based on the available evidence, the clinical significance of this variant remains unclear.

Labcorp Genetics (formerly Invitae), Labcorp
Classification: Uncertain significance for Dyskeratosis congenita, autosomal dominant 2; Idiopathic Pulmonary Fibrosis. Last evaluated: 2024-06-25. Review status: criteria provided, single submitter. Criteria: Invitae Variant Classification Sherloc (09022015). Collection method: clinical testing. Allele origin: germline.
Comment: This sequence change replaces aspartic acid, which is acidic and polar, with asparagine, which is neutral and polar, at codon 945 of the TERT protein (p.Asp945Asn). The frequency data for this variant in the population databases is considered unreliable, as metrics indicate poor data quality at this position in the gnomAD database. This variant has not been reported in the literature in individuals affected with TERT-related conditions. ClinVar contains an entry for this variant (Variation ID: 2188359). Advanced modeling of protein sequence and biophysical properties (such as structural, functional, and spatial information, amino acid conservation, physicochemical variation, residue mobility, and thermodynamic stability) performed at Invitae indicates that this missense variant is not expected to disrupt TERT protein function with a negative predictive value of 80%. In summary, the available evidence is currently insufficient to determine the role of this variant in disease. Therefore, it has been classified as a Variant of Uncertain Significance.

Neuberg Centre For Genomic Medicine, NCGM
Classification: Uncertain significance for Dyskeratosis congenita, autosomal dominant 2. Last evaluated: 2023-07-22. Review status: criteria provided, single submitter. Criteria: ACMG Guidelines, 2015. Collection method: clinical testing. Allele origin: germline. Inheritance: Autosomal recessive inheritance. Affected: yes.
Comment: The observed missense variant c.2833G>Ap.Asp945Asn in TERT gene has not been reported previously as a pathogenic variant nor as a benign variant, to our knowledge. The p.Asp945Asn variant is reported with 0.0004% allele frequency in gnomAD Exomes. It has been submitted to ClinVar as Uncertain Significance. The amino acid Asp at position 945 is changed to a Asn changing protein sequence and it might alter its composition and physico-chemical properties. For these reasons, this variant has been classified as Uncertain Significance.

NM_198253.3(TERT):c.2833G>A (p.Asp945Asn)

Gene: TERT (telomerase reverse transcriptase; minus strand). Cytogenetic location: 5p15.33.
Variant type: single nucleotide variant.
Coding change: c.2833G>A on transcript NM_198253.3 (MANE Select); coding-DNA position 2833, G replaced by A.
Protein change: p.Asp945Asn; replaces aspartic acid 945 with asparagine.
Molecular consequence: missense variant. On other transcripts: intron variant (1).
Genome position (GRCh38, 1-based): chr5:1,264,414, C>T on the plus strand (G>A on the coding strand, the complement: TERT is on the minus strand). VCF-style: chr5-1264414-C-T. GRCh37 (hg19) VCF-style: chr5-1264529-C-T.
Other names: c.2833G>A, p.Asp945Asn (NM_003219.1); c.2654+2050G>A (NM_001193376.3); short protein forms D945N.
Identifiers: ClinVar variation 2188359 (VCV002188359.5), dbSNP rs1446074617, ClinGen allele CA359071419.
Genomic context (GRCh38, chr5:1,264,414, plus strand): 5'-GCACCTGCCCCAGCCGGGCACAGGCTCCACTTCCGGCCAGGTGCGCTCACCTGGAGTAGT[C>T]GCTCTGCACCTCCAGGGTCCGGGTATCCAGCAGCAGGCCGCACCAGGGGAATAGGCCGTG-3'
Protein context (NP_937983.2, residues 935-955): LDTRTLEVQS[Asp945Asn]YSSYARTSIR